The following is an entry in ClinVar:

NM_001082.5(CYP4F2):c.336C>T (p.Asn112=)

Gene: CYP4F2 (cytochrome P450 family 4 subfamily F member 2; minus strand). Cytogenetic location: 19p13.12.
Variant type: single nucleotide variant.
Coding change: c.336C>T on transcript NM_001082.5 (MANE Select); coding-DNA position 336, C replaced by T.
Protein change: p.Asn112=; no amino-acid change (asparagine 112 retained).
Molecular consequence: synonymous variant.
Genome position (GRCh38, 1-based): chr19:15,895,513, G>A on the plus strand (C>T on the coding strand, the complement: CYP4F2 is on the minus strand). VCF-style: chr19-15895513-G-A. GRCh37 (hg19) VCF-style: chr19-16006323-G-A.
Identifiers: ClinVar variation 3055271 (VCV003055271.2), dbSNP rs8110714, ClinGen allele CA9274086.

ClinVar aggregate classification (germline): Benign (0 of 4 stars; one submission).

Conditions:
CYP4F2-related disorder. Also called: CYP4F2-related condition.

Allele frequency attached by ClinVar (database versions not stated): gnomAD exomes 0.00354; ExAC 0.01248; gnomAD 0.02916; TOPMed 0.03270; 1000 Genomes Project 0.03494; ESP Exome Variant Server 0.03560; 1000 Genomes Project 30x 0.03638.

Submission:

PreventionGenetics, part of Exact Sciences
Classification: Benign for CYP4F2-related condition. Last evaluated: 2019-07-12. Review status: no assertion criteria provided. Collection method: clinical testing. Allele origin: germline.
Comment: This variant is classified as benign based on ACMG/AMP sequence variant interpretation guidelines (Richards et al. 2015 PMID: 25741868, with internal and published modifications).